The following is an entry in ClinVar:

NM_000245.4(MET):c.4123G>A (p.Ala1375Thr)

Gene: MET (MET proto-oncogene, receptor tyrosine kinase; plus strand). Cytogenetic location: 7q31.2.
Variant type: single nucleotide variant.
Coding change: c.4123G>A on transcript NM_000245.4 (MANE Select); coding-DNA position 4123, G replaced by A.
Protein change: p.Ala1375Thr; replaces alanine 1375 with threonine.
Molecular consequence: missense variant.
Genome position (GRCh38, 1-based): chr7:116,796,074, G>A. VCF-style: chr7-116796074-G-A. GRCh37 (hg19) VCF-style: chr7-116436128-G-A.
Other names: c.4177G>A, p.Ala1393Thr (NM_001127500.3); c.2833G>A, p.Ala945Thr (NM_001324402.2); short protein forms A1375T, A945T, A1393T.
Identifiers: ClinVar variation 841419 (VCV000841419.13), dbSNP rs373517956, ClinGen allele CA369118439.

ClinVar aggregate classification (germline): Conflicting classifications of pathogenicity. Review status: criteria provided, conflicting classifications (1 of 4 stars). 2 submissions from 2 submitters: Uncertain significance (1); Likely benign (1). Last evaluated 2026-02-03.

Conditions:
Hereditary cancer-predisposing syndrome. Also called: Hereditary Cancer Syndrome; Hereditary neoplastic syndrome; Tumor predisposition; Neoplastic Syndromes, Hereditary. Identifiers: Orphanet 140162, MedGen C0027672, MeSH D009386, MONDO:0015356.
Renal cell carcinoma. Identifiers: Orphanet 217071, MedGen C0007134, MeSH D002292, MONDO:0005086, HP:0005584.

Allele frequency attached by ClinVar (database versions not stated): gnomAD exomes below 0.00001.
gnomAD v4.1: 3 of 1,613,932 alleles (0.00019%); highest among the groups gnomAD compares: Non-Finnish European, 0.00025%; no homozygotes.

Submissions (2):

Labcorp Genetics (formerly Invitae), Labcorp
Classification: Uncertain significance for Renal cell carcinoma. Last evaluated: 2026-02-03. Review status: criteria provided, single submitter. Criteria: Invitae Variant Classification Sherloc (09022015). Collection method: clinical testing. Allele origin: germline.
Comment: This sequence change replaces alanine, which is neutral and non-polar, with threonine, which is neutral and polar, at codon 1393 of the MET protein (p.Ala1393Thr). This variant is not present in population databases (gnomAD no frequency). This variant has not been reported in the literature in individuals affected with MET-related conditions. ClinVar contains an entry for this variant (Variation ID: 841419). An algorithm developed to predict the effect of missense changes on protein structure and function outputs the following: PolyPhen-2: "Benign". The threonine amino acid residue is found in multiple mammalian species, which suggests that this missense change does not adversely affect protein function. In summary, the available evidence is currently insufficient to determine the role of this variant in disease. Therefore, it has been classified as a Variant of Uncertain Significance.

Ambry Genetics
Classification: Likely benign for Hereditary cancer-predisposing syndrome. Last evaluated: 2024-11-21. Review status: criteria provided, single submitter. Criteria: Ambry Variant Classification Scheme 2023. Collection method: clinical testing. Allele origin: germline.